The following is an entry in ClinVar:

ClinVar aggregate classification (germline): Uncertain significance. Review status: criteria provided, multiple submitters, no conflicts (2 of 4 stars). 2 submissions from 2 submitters: Uncertain significance (2). Last evaluated 2025-11-16.

Conditions:
DICER1-related tumor predisposition. Also called: DICER1-related pleuropulmonary blastoma cancer predisposition syndrome; DICER1 syndrome. Identifiers: Orphanet 284343, MedGen C3839822, MONDO:0100216.
Hereditary cancer-predisposing syndrome. Also called: Neoplastic Syndromes, Hereditary; Hereditary neoplastic syndrome; Tumor predisposition; Hereditary Cancer Syndrome. Identifiers: Orphanet 140162, MedGen C0027672, MeSH D009386, MONDO:0015356.

Submissions (2):

Ambry Genetics
Classification: Uncertain significance for Hereditary cancer-predisposing syndrome. Last evaluated: 2025-11-16. Review status: criteria provided, single submitter. Criteria: Ambry Variant Classification Scheme 2023. Collection method: clinical testing. Allele origin: germline.
Comment: The p.G1136S variant (also known as c.3406G>A), located in coding exon 20 of the DICER1 gene, results from a G to A substitution at nucleotide position 3406. The glycine at codon 1136 is replaced by serine, an amino acid with similar properties. This amino acid position is conserved. In addition, this alteration is predicted to be tolerated by in silico analysis. Based on the available evidence, the clinical significance of this variant remains unclear.

Labcorp Genetics (formerly Invitae), Labcorp
Classification: Uncertain significance for DICER1-related tumor predisposition. Last evaluated: 2024-07-04. Review status: criteria provided, single submitter. Criteria: Invitae Variant Classification Sherloc (09022015). Collection method: clinical testing. Allele origin: germline.
Comment: This sequence change replaces glycine, which is neutral and non-polar, with serine, which is neutral and polar, at codon 1136 of the DICER1 protein (p.Gly1136Ser). This variant is not present in population databases (gnomAD no frequency). This variant has not been reported in the literature in individuals affected with DICER1-related conditions. Advanced modeling of protein sequence and biophysical properties (such as structural, functional, and spatial information, amino acid conservation, physicochemical variation, residue mobility, and thermodynamic stability) performed at Invitae indicates that this missense variant is not expected to disrupt DICER1 protein function with a negative predictive value of 80%. In summary, the available evidence is currently insufficient to determine the role of this variant in disease. Therefore, it has been classified as a Variant of Uncertain Significance.

NM_177438.3(DICER1):c.3406G>A (p.Gly1136Ser)

Gene: DICER1 (dicer 1, ribonuclease III; minus strand). Cytogenetic location: 14q32.13.
Variant type: single nucleotide variant.
Coding change: c.3406G>A on transcript NM_177438.3 (MANE Select); coding-DNA position 3406, G replaced by A.
Protein change: p.Gly1136Ser; replaces glycine 1136 with serine.
Molecular consequence: missense variant. On other transcripts: non-coding transcript variant (6).
Genome position (GRCh38, 1-based): chr14:95,103,990, C>T on the plus strand (G>A on the coding strand, the complement: DICER1 is on the minus strand). VCF-style: chr14-95103990-C-T. GRCh37 (hg19) VCF-style: chr14-95570327-C-T.
Other names: c.3406G>A, p.Gly1136Ser (NM_001195573.1, NM_001271282.3, NM_001291628.2 and 12 more transcripts); c.3124G>A, p.Gly1042Ser (NM_001395686.1); c.3001G>A, p.Gly1001Ser (NM_001395687.1, NM_001395688.1, NM_001395689.1 and 2 more transcripts); c.2839G>A, p.Gly947Ser (NM_001395691.1); c.1723G>A, p.Gly575Ser (NM_001395697.1); short protein forms G1001S, G1042S, G1136S, G575S, G947S.
Identifiers: ClinVar variation 3658803 (VCV003658803.3).
Genomic context (GRCh38, chr14:95,103,990, plus strand): 5'-ACGTTCTGCAGTTCACAGACATTTGGTCATGATTTTCTAGAGAGGAGGTTCTATTAGCAC[C>T]TTGATGTGCAGCATTTTCAGGGACAATTGTGCTGTGCTTACAGTAATTATCATTTTCAGC-3'
Protein context (NP_803187.1, residues 1126-1146): TIVPENAAHQ[Gly1136Ser]ANRTSSLENH